The following is an entry in ClinVar:

NM_001377.3(DYNC2H1):c.11603C>G (p.Ala3868Gly)

Gene: DYNC2H1 (dynein cytoplasmic 2 heavy chain 1; plus strand). Cytogenetic location: 11q22.3.
Variant type: single nucleotide variant.
Coding change: c.11603C>G on transcript NM_001377.3 (MANE Select); coding-DNA position 11603, C replaced by G.
Protein change: p.Ala3868Gly; replaces alanine 3868 with glycine.
Molecular consequence: missense variant.
Genome position (GRCh38, 1-based): chr11:103,311,987, C>G. VCF-style: chr11-103311987-C-G. GRCh37 (hg19) VCF-style: chr11-103182716-C-G.
Other names: c.11624C>G, p.Ala3875Gly (NM_001080463.2); short protein forms A3868G, A3875G.
Identifiers: ClinVar variation 1442642 (VCV001442642.4), dbSNP rs1213780831, ClinGen allele CA382264694.
Genomic context (GRCh38, chr11:103,311,987, plus strand): 5'-CTCCTGAGCAAATTAGCAAAAAAGATAATACACATCGAGCTCATGCTCTCTTCAGTCTTG[C>G]ATGGTTTCATGCTGCATGTCAAGAAAGAAGAAACTATATTCCTCAGGTAAGTAAGAACAT-3'
Protein context (NP_001368.2, residues 3858-3878): THRAHALFSL[Ala3868Gly]WFHAACQERR

ClinVar aggregate classification (germline): Uncertain significance. Review status: criteria provided, multiple submitters, no conflicts (2 of 4 stars). 2 submissions from 2 submitters: Uncertain significance (2). Last evaluated 2024-07-29.

Conditions:
Jeune thoracic dystrophy. Also called: Jeune syndrome; Infantile thoracic dystrophy; Thoracic pelvic phalangeal dystrophy; Jeune's syndrome; Chondroectodermal dysplasia-like syndrome; Short-rib thoracic dysplasia. Identifiers: Orphanet 474, MedGen C0265275, MONDO:0018770.

Allele frequency attached by ClinVar (database versions not stated): gnomAD exomes 0.00001; TOPMed 0.00001.
gnomAD v4.1: 19 of 1,613,462 alleles (0.0012%); highest among the groups gnomAD compares: South Asian, 0.0099%; no homozygotes.

Submissions (2):

Blueprint Genetics
Classification: Uncertain significance. Last evaluated: 2024-07-29. Review status: criteria provided, single submitter. Criteria: ACMG Guidelines, 2015. Collection method: clinical testing. Allele origin: germline.

Labcorp Genetics (formerly Invitae), Labcorp
Classification: Uncertain significance for Jeune thoracic dystrophy. Last evaluated: 2022-09-13. Review status: criteria provided, single submitter. Criteria: Invitae Variant Classification Sherloc (09022015). Collection method: clinical testing. Allele origin: germline.
Comment: This sequence change replaces alanine, which is neutral and non-polar, with glycine, which is neutral and non-polar, at codon 3875 of the DYNC2H1 protein (p.Ala3875Gly). This variant is present in population databases (no rsID available, gnomAD 0.007%). This variant has not been reported in the literature in individuals affected with DYNC2H1-related conditions. ClinVar contains an entry for this variant (Variation ID: 1442642). Algorithms developed to predict the effect of missense changes on protein structure and function (SIFT, PolyPhen-2, Align-GVGD) all suggest that this variant is likely to be disruptive. In summary, the available evidence is currently insufficient to determine the role of this variant in disease. Therefore, it has been classified as a Variant of Uncertain Significance.